The following is an entry in ClinVar:

NM_025137.4(SPG11):c.3748A>G (p.Ile1250Val)

Gene: SPG11 (SPG11 vesicle trafficking associated, spatacsin; minus strand). Cytogenetic location: 15q21.1.
Variant type: single nucleotide variant.
Coding change: c.3748A>G on transcript NM_025137.4 (MANE Select); coding-DNA position 3748, A replaced by G.
Protein change: p.Ile1250Val; replaces isoleucine 1250 with valine.
Molecular consequence: missense variant.
Genome position (GRCh38, 1-based): chr15:44,598,775, T>C on the plus strand (A>G on the coding strand, the complement: SPG11 is on the minus strand). VCF-style: chr15-44598775-T-C. GRCh37 (hg19) VCF-style: chr15-44890973-T-C.
Other names: c.3748A>G (NM_025137.3); c.3748A>G, p.Ile1250Val (NM_001160227.2); short protein forms I1250V.
Identifiers: ClinVar variation 1507217 (VCV001507217.4), dbSNP rs2140978260, ClinGen allele CA392230310.

ClinVar aggregate classification (germline): Uncertain significance. Review status: criteria provided, multiple submitters, no conflicts (2 of 4 stars). 2 submissions from 2 submitters: Uncertain significance (2). Last evaluated 2025-12-10.

Conditions:
SPG11-related disorder. Also called: SPG11-related condition.
Hereditary spastic paraplegia 11. Also called: Nakamura Osame syndrome; Autosomal recessive hereditary spastic paraplegia, mental impairment, and thin corpus callosum; Spastic paraplegia, mental retardation and thin corpus callosum; SPASTIC PARAPLEGIA, AUTOSOMAL RECESSIVE, COMPLICATED, WITH THIN CORPUS CALLOSUM; SPASTIC PARAPLEGIA, AUTOSOMAL RECESSIVE, WITH MENTAL IMPAIRMENT AND THIN CORPUS CALLOSUM; Spastic Paraplegia 11. Identifiers: Orphanet 2822, MedGen C1858479, MONDO:0011445, OMIM 604360.

Allele frequency attached by ClinVar (database versions not stated): gnomAD exomes below 0.00001.
gnomAD v4.1: 2 of 1,614,184 alleles (0.00012%); highest among the groups gnomAD compares: Admixed American, 0.0017%; no homozygotes.

Submissions (2):

PreventionGenetics, part of Exact Sciences
Classification: Uncertain significance for SPG11-related condition. Last evaluated: 2025-12-10. Review status: criteria provided, single submitter. Criteria: ACMG Guidelines, 2015. Collection method: clinical testing. Allele origin: germline.
Comment: The SPG11 c.3748A>G variant is predicted to result in the amino acid substitution p.Ile1250Val. To our knowledge, this variant has not been reported in the literature or in a large population database (gnomAD), indicating this variant is rare. At this time, the clinical significance of this variant is uncertain due to the absence of conclusive functional and genetic evidence.

Labcorp Genetics (formerly Invitae), Labcorp
Classification: Uncertain significance for Hereditary spastic paraplegia 11. Last evaluated: 2022-07-06. Review status: criteria provided, single submitter. Criteria: Invitae Variant Classification Sherloc (09022015). Collection method: clinical testing. Allele origin: germline.
Comment: This sequence change replaces isoleucine, which is neutral and non-polar, with valine, which is neutral and non-polar, at codon 1250 of the SPG11 protein (p.Ile1250Val). This variant is not present in population databases (gnomAD no frequency). This missense change has been observed in individual(s) with clinical features of SPG11-related conditions (Invitae). It has also been observed to segregate with disease in related individuals. ClinVar contains an entry for this variant (Variation ID: 1507217). Algorithms developed to predict the effect of missense changes on protein structure and function output the following: SIFT: "Tolerated"; PolyPhen-2: "Benign"; Align-GVGD: "Class C0". The valine amino acid residue is found in multiple mammalian species, which suggests that this missense change does not adversely affect protein function. Algorithms developed to predict the effect of sequence changes on RNA splicing suggest that this variant may create or strengthen a splice site. In summary, the available evidence is currently insufficient to determine the role of this variant in disease. Therefore, it has been classified as a Variant of Uncertain Significance.